The following is an entry in ClinVar:

NM_017763.6(RNF43):c.1857C>T (p.Leu619=)

Gene: RNF43 (ring finger protein 43; minus strand). Cytogenetic location: 17q22.
Variant type: single nucleotide variant.
Coding change: c.1857C>T on transcript NM_017763.6 (MANE Select); coding-DNA position 1857, C replaced by T.
Protein change: p.Leu619=; no amino-acid change (leucine 619 retained).
Molecular consequence: synonymous variant.
Genome position (GRCh38, 1-based): chr17:58,357,919, G>A on the plus strand (C>T on the coding strand, the complement: RNF43 is on the minus strand). VCF-style: chr17-58357919-G-A. GRCh37 (hg19) VCF-style: chr17-56435280-G-A.
Other names: c.1857C>T, p.Leu619= (NM_001305544.3); c.1476C>T, p.Leu492= (NM_001305545.2); c.1857C>T (NM_017763.4).
Identifiers: ClinVar variation 2053944 (VCV002053944.6), dbSNP rs1039720654, ClinGen allele CA292030602.

ClinVar aggregate classification (germline): Benign/Likely benign. Review status: criteria provided, multiple submitters, no conflicts (2 of 4 stars). 3 submissions from 3 submitters: Benign (1); Likely benign (2). Last evaluated 2026-07-02.

Conditions:
Sessile serrated polyposis cancer syndrome (SSPCS). Identifiers: Orphanet 157798, MedGen C4310714, MONDO:0014919, OMIM 617108.

Allele frequency attached by ClinVar (database versions not stated): gnomAD exomes below 0.00001.
gnomAD v4.1: 1 of 1,613,616 alleles (0.000062%); highest among the groups gnomAD compares: Non-Finnish European, 0.000085%; no homozygotes.

Submissions (3):

Myriad Genetics, Inc.
Classification: Benign for Sessile serrated polyposis cancer syndrome. Last evaluated: 2026-07-02. Review status: criteria provided, single submitter. Criteria: Myriad Autosomal Dominant, Autosomal Recessive and X-Linked Classification Criteria (2023). Collection method: clinical testing. Allele origin: unknown.
Comment: This variant is considered benign. This variant is a silent/synonymous amino acid change and it is not expected to impact splicing.

Labcorp Genetics (formerly Invitae), Labcorp
Classification: Likely benign. Last evaluated: 2025-10-29. Review status: criteria provided, single submitter. Criteria: Invitae Variant Classification Sherloc (09022015). Collection method: clinical testing. Allele origin: germline.

Ambry Genetics
Classification: Likely benign. Last evaluated: 2025-08-07. Review status: criteria provided, single submitter. Criteria: Ambry Variant Classification Scheme 2023. Collection method: clinical testing. Allele origin: germline.